The following is an entry in ClinVar:

ClinVar aggregate classification (germline): Likely benign. Review status: criteria provided, multiple submitters, no conflicts (2 of 4 stars). 4 submissions from 4 submitters: Likely benign (4). Last evaluated 2026-01-25.

Conditions:
Dilated cardiomyopathy 1W (CMD1W). Identifiers: Orphanet 154, MedGen C1969639, MONDO:0012667, OMIM 611407.
Cardiovascular phenotype. Identifiers: MedGen CN230736.

Allele frequency attached by ClinVar (database versions not stated): TOPMed 0.00001; gnomAD 0.00002 and 0.00001; 1000 Genomes Project 0.00040; gnomAD exomes 0.00004; 1000 Genomes Project 30x 0.00031; ExAC 0.00006.
gnomAD v4.1: 23 of 1,614,166 alleles (0.0014%); highest among the groups gnomAD compares: African/African-American, 0.0053%; no homozygotes.

Submissions (4):

Ambry Genetics
Classification: Likely benign for Cardiovascular phenotype. Last evaluated: 2026-01-25. Review status: criteria provided, single submitter. Criteria: Ambry Variant Classification Scheme 2023. Collection method: clinical testing. Allele origin: germline.

Labcorp Genetics (formerly Invitae), Labcorp
Classification: Likely benign for Dilated cardiomyopathy 1W. Last evaluated: 2025-11-17. Review status: criteria provided, single submitter. Criteria: Invitae Variant Classification Sherloc (09022015). Collection method: clinical testing. Allele origin: germline.

GeneDx
Classification: Likely benign. Last evaluated: 2018-01-17. Review status: criteria provided, single submitter. Criteria: GeneDx Variant Classification (06012015). Collection method: clinical testing. Allele origin: germline. Affected: yes.
Comment: This variant is considered likely benign or benign based on one or more of the following criteria: it is a conservative change, it occurs at a poorly conserved position in the protein, it is predicted to be benign by multiple in silico algorithms, and/or has population frequency not consistent with disease.

Laboratory for Molecular Medicine, Mass General Brigham Personalized Medicine
Classification: Likely benign. Last evaluated: 2014-07-31. Review status: criteria provided, single submitter. Criteria: LMM Criteria. Collection method: clinical testing. Allele origin: germline. Observed: 1 variant allele.
Comment: Asp947Asp in exon 19 of VCL: This variant is not expected to have clinical signi ficance because it does not alter an amino acid residue and is not located withi n the splice consensus sequence.

NM_014000.3(VCL):c.2841C>T (p.Asp947=)

Gene: VCL (vinculin; plus strand). Cytogenetic location: 10q22.2.
Variant type: single nucleotide variant.
Coding change: c.2841C>T on transcript NM_014000.3 (MANE Select); coding-DNA position 2841, C replaced by T.
Protein change: p.Asp947=; no amino-acid change (aspartic acid 947 retained).
Molecular consequence: synonymous variant. On other transcripts: intron variant (1).
Genome position (GRCh38, 1-based): chr10:74,112,004, C>T. VCF-style: chr10-74112004-C-T. GRCh37 (hg19) VCF-style: chr10-75871762-C-T.
Other names: c.2746-2180C>T (NM_003373.4).
Identifiers: ClinVar variation 166555 (VCV000166555.16), dbSNP rs566296495, ClinGen allele CA179619.